The following is an entry in ClinVar:

ClinVar aggregate classification (germline): Uncertain significance (1 of 4 stars; one submission).

Conditions:
Acute myeloid leukemia (AML). Also called: Acute myeloid leukemia, adult; AML adult; Acute non-lymphocytic leukemia; Acute granulocytic leukemia; Leukemia, acute myelogenous, somatic; Leukemia, acute myeloid, somatic. Identifiers: Orphanet 519, MedGen C0023467, MeSH D015470, MONDO:0018874, OMIM 601626, HP:0004808. Disease mechanism: Constitutively activated FLT3.

Submission:

Labcorp Genetics (formerly Invitae), Labcorp
Classification: Uncertain significance for Acute myeloid leukemia. Last evaluated: 2020-09-10. Review status: criteria provided, single submitter. Criteria: Invitae Variant Classification Sherloc (09022015). Collection method: clinical testing. Allele origin: germline.
Comment: The frequency data for this variant in the population databases is considered unreliable, as metrics indicate insufficient coverage at this position in the ExAC database. This variant has not been reported in the literature in individuals with CEBPA-related conditions. Experimental studies and prediction algorithms are not available or were not evaluated, and the functional significance of this variant is currently unknown. In summary, the available evidence is currently insufficient to determine the role of this variant in disease. Therefore, it has been classified as a Variant of Uncertain Significance. This variant, c.566_567insGCCCTCGCA, results in the insertion of 3 amino acid(s) to the CEBPA protein (p.Pro189_Ser190insProSerHis), but otherwise preserves the integrity of the reading frame.

NM_004364.5(CEBPA):c.566_567insGCCCTCGCA (p.Pro189_Ser190insProSerHis)

Gene: CEBPA (CCAAT enhancer binding protein alpha; minus strand). Cytogenetic location: 19q13.11.
Variant type: Insertion.
Coding change: c.566_567insGCCCTCGCA on transcript NM_004364.5 (MANE Select); coding-DNA positions 566 to 567, GCCCTCGCA inserted.
Protein change: p.Pro189_Ser190insProSerHis.
Molecular consequence: inframe insertion.
Genome position: GRCh38 VCF-style: chr19-33301848-G-GTGCGAGGGC. GRCh37 (hg19) VCF-style: chr19-33792754-G-GTGCGAGGGC.
Other names: c.209_210insGCCCTCGCA, p.Pro70_Ser71insProSerHis (NM_001285829.2); c.671_672insGCCCTCGCA, p.Pro224_Ser225insProSerHis (NM_001287424.2); c.524_525insGCCCTCGCA, p.Pro175_Ser176insProSerHis (NM_001287435.2).
Identifiers: ClinVar variation 1036945 (VCV001036945.9), dbSNP rs1967178862, ClinGen allele CA2332660190.